The following is an entry in ClinVar:

NM_005334.3(HCFC1):c.1355C>T (p.Ala452Val)

Gene: HCFC1 (host cell factor C1; minus strand). Cytogenetic location: Xq28.
Variant type: single nucleotide variant.
Coding change: c.1355C>T on transcript NM_005334.3 (MANE Select); coding-DNA position 1355, C replaced by T.
Protein change: p.Ala452Val; replaces alanine 452 with valine.
Molecular consequence: missense variant.
Genome position (GRCh38, 1-based): chrX:153,959,891, G>A on the plus strand (C>T on the coding strand, the complement: HCFC1 is on the minus strand). VCF-style: chrX-153959891-G-A. GRCh37 (hg19) VCF-style: chrX-153225342-G-A.
Other names: short protein forms A452V.
Identifiers: ClinVar variation 1328120 (VCV001328120.6), dbSNP rs868948937, ClinGen allele CA415141549.

ClinVar aggregate classification (germline): Uncertain significance. Review status: criteria provided, multiple submitters, no conflicts (2 of 4 stars). 2 submissions from 2 submitters: Uncertain significance (2). Last evaluated 2024-11-26.

Conditions:
Methylmalonic acidemia with homocystinuria, type cblX (MAHCX). Also called: INTELLECTUAL DEVELOPMENTAL DISORDER, X-LINKED 3. Identifiers: Orphanet 369962, MedGen C0796208, MONDO:0010657, OMIM 309541.

Allele frequency attached by ClinVar (database versions not stated): gnomAD exomes below 0.00001; TOPMed 0.00002.
gnomAD v4.1: 2 of 1,200,506 alleles (0.00017%); highest among the groups gnomAD compares: African/African-American, 0.0017%; no homozygotes.

Submissions (2):

Labcorp Genetics (formerly Invitae), Labcorp
Classification: Uncertain significance for Methylmalonic acidemia with homocystinuria, type cblX. Last evaluated: 2024-11-26. Review status: criteria provided, single submitter. Criteria: Invitae Variant Classification Sherloc (09022015). Collection method: clinical testing. Allele origin: germline.
Comment: This sequence change replaces alanine, which is neutral and non-polar, with valine, which is neutral and non-polar, at codon 452 of the HCFC1 protein (p.Ala452Val). This variant is not present in population databases (gnomAD no frequency). This variant has not been reported in the literature in individuals affected with HCFC1-related conditions. ClinVar contains an entry for this variant (Variation ID: 1328120). An algorithm developed to predict the effect of missense changes on protein structure and function (PolyPhen-2) suggests that this variant is likely to be disruptive. In summary, the available evidence is currently insufficient to determine the role of this variant in disease. Therefore, it has been classified as a Variant of Uncertain Significance.

Illumina Laboratory Services, Illumina
Classification: Uncertain significance for Methylmalonic acidemia with homocystinuria, type cblX. Last evaluated: 2021-08-31. Review status: criteria provided, single submitter. Criteria: ICSLVariantClassificationCriteria RUGD 01 April 2020. Collection method: clinical testing. Allele origin: unknown.
Comment: The HCFC1 c.1355C>T (p.Ala452Val) variant is a missense variant. A literature search was performed for the gene, cDNA change, and amino acid change. No publications were found based on this search. This variant is not found in version 2.1.1 or version 3.1.1 of the Genome Aggregation Database despite its location in a region of good sequence coverage, which suggests the variant is rare. Based on the available evidence, the p.Ala452Val variant is classified as a variant of uncertain significance for X-linked methylmalonic acidemia and homocysteinemia.